The following is an entry in ClinVar:

ClinVar aggregate classification (germline): Uncertain significance (1 of 4 stars; one submission).

Conditions:
Cardiomyopathy (CMYO). Also called: Cardiomyopathies. Identifiers: Orphanet 167848, MedGen C0878544, MONDO:0004994, HP:0001638. Inheritance: Various modes of inheritance.

Submission:

Color Diagnostics, LLC DBA Color Health
Classification: Uncertain significance for Cardiomyopathy. Last evaluated: 2024-03-06. Review status: criteria provided, single submitter. Criteria: ACMG Guidelines, 2015. Collection method: clinical testing. Allele origin: germline.
Comment: This missense variant replaces asparagine with tyrosine at codon 571 of the DSC2 protein. Computational prediction suggests that this variant may have deleterious impact on protein structure and function (internally defined REVEL score threshold >= 0.7, PMID: 27666373). To our knowledge, functional studies have not been reported for this variant. This variant has not been reported in individuals affected with cardiovascular disorders in the literature. This variant has not been identified in the general population by the Genome Aggregation Database (gnomAD). The available evidence is insufficient to determine the role of this variant in disease conclusively. Therefore, this variant is classified as a Variant of Uncertain Significance.

NM_024422.6(DSC2):c.1711A>T (p.Asn571Tyr)

Gene: DSC2 (desmocollin 2; minus strand). Cytogenetic location: 18q12.1.
Variant type: single nucleotide variant.
Coding change: c.1711A>T on transcript NM_024422.6 (MANE Select); coding-DNA position 1711, A replaced by T.
Protein change: p.Asn571Tyr; replaces asparagine 571 with tyrosine.
Molecular consequence: missense variant.
Genome position (GRCh38, 1-based): chr18:31,074,860, T>A on the plus strand (A>T on the coding strand, the complement: DSC2 is on the minus strand). VCF-style: chr18-31074860-T-A. GRCh37 (hg19) VCF-style: chr18-28654826-T-A.
Other names: c.1711A>T, p.Asn571Tyr (NM_004949.5); short protein forms N571Y.
Identifiers: ClinVar variation 1172357 (VCV001172357.3), dbSNP rs2144800393, ClinGen allele CA402114333.